The following is an entry in ClinVar:

ClinVar aggregate classification (germline): Uncertain significance (1 of 4 stars; one submission).

Conditions:
Inborn genetic diseases. Identifiers: MedGen C0950123, MeSH D030342.

gnomAD v4.1: 2 of 1,488,090 alleles (0.00013%); highest among the groups gnomAD compares: Non-Finnish European, 0.00018%; no homozygotes.

Submission:

Ambry Genetics
Classification: Uncertain significance for Inborn genetic diseases. Last evaluated: 2025-02-24. Review status: criteria provided, single submitter. Criteria: Ambry Variant Classification Scheme 2023. Collection method: clinical testing. Allele origin: germline.
Comment: The p.P184L variant (also known as c.551C>T), located in coding exon 1 of the SH2B3 gene, results from a C to T substitution at nucleotide position 551. The proline at codon 184 is replaced by leucine, an amino acid with similar properties. This amino acid position is conserved. In addition, this alteration is predicted to be tolerated by in silico analysis. Based on the available evidence, the clinical significance of this variant remains unclear.

NM_005475.3(SH2B3):c.551C>T (p.Pro184Leu)

Gene: SH2B3 (SH2B adaptor protein 3; plus strand). Cytogenetic location: 12q24.12.
Variant type: single nucleotide variant.
Coding change: c.551C>T on transcript NM_005475.3 (MANE Select); coding-DNA position 551, C replaced by T.
Protein change: p.Pro184Leu; replaces proline 184 with leucine.
Molecular consequence: missense variant.
Genome position (GRCh38, 1-based): chr12:111,418,696, C>T. VCF-style: chr12-111418696-C-T. GRCh37 (hg19) VCF-style: chr12-111856500-C-T.
Other names: short protein forms P184L.
Identifiers: ClinVar variation 3795220 (VCV003795220.1).
Genomic context (GRCh38, chr12:111,418,696, plus strand): 5'-GGACCCCCGGAGAGGCTGCTGAGACCCCCGCCCGGCCTGGCCTGGCCAAGAAGTTCCTGC[C>T]CTGGAGCCTGGCCCGGGAGCCGCCACCCGAGGCGCTGAAGGAGGCGGTGCTGCGCTACAG-3'
Protein context (NP_005466.1, residues 174-194): ARPGLAKKFL[Pro184Leu]WSLAREPPPE